The following is an entry in ClinVar:

ClinVar aggregate classification (germline): Likely pathogenic (1 of 4 stars; one submission).

Conditions:
Ellis-van Creveld syndrome (EVC). Also called: EVC-Related Ellis-van Creveld Syndrome; EVC2-Related Ellis-van Creveld Syndrome; MESOECTODERMAL DYSPLASIA; Chondroectodermal dysplasia. Identifiers: Orphanet 289, MedGen C0013903, MONDO:0009162, OMIM 225500.

Submission:

Myriad Genetics, Inc.
Classification: Likely pathogenic for Ellis-van Creveld syndrome. Last evaluated: 2022-02-19. Review status: criteria provided, single submitter. Criteria: Myriad Women's Health Autosomal Recessive and X-Linked Classification Criteria (2021). Collection method: clinical testing. Allele origin: unknown.
Comment: NM_147127.4(EVC2):c.2737A>T(K913*) is expected to be pathogenic in the context of EVC2-related Ellis-van Creveld syndrome. This variant is predicted to lead to an abnormal or absent protein product due to the creation of a premature termination codon in EVC2, a gene where loss-of-function variants are known to be pathogenic. Please note: this variant was assessed in the context of healthy population screening.

NM_147127.5(EVC2):c.2737A>T (p.Lys913Ter)

Gene: EVC2 (EvC ciliary complex subunit 2; minus strand). Cytogenetic location: 4p16.2.
Variant type: single nucleotide variant.
Coding change: c.2737A>T on transcript NM_147127.5 (MANE Select); coding-DNA position 2737, A replaced by T.
Protein change: p.Lys913Ter; replaces lysine 913 with a stop codon.
Molecular consequence: nonsense.
Genome position (GRCh38, 1-based): chr4:5,615,514, T>A on the plus strand (A>T on the coding strand, the complement: EVC2 is on the minus strand). VCF-style: chr4-5615514-T-A. GRCh37 (hg19) VCF-style: chr4-5617241-T-A.
Other names: c.2497A>T, p.Lys833Ter (NM_001166136.2); short protein forms K833*, K913*.
Identifiers: ClinVar variation 1724551 (VCV001724551.2), dbSNP rs2475350575, ClinGen allele CA356142395.
Genomic context (GRCh38, chr4:5,615,514, plus strand): 5'-CACAGAGGTGAATTTTGTCTTCGATGCACTTCTTCAGAAGCTCTCCCTTGCTTTTACTCT[T>A]GGACCGTGACTTTCTCACCTTGGACTGTTGCTGGAGAGGGGTTGGGGAAGACGTGGGTAA-3'